The following is an entry in ClinVar:

ClinVar aggregate classification (germline): Uncertain significance (1 of 4 stars; one submission).

gnomAD v4.1: 10 of 1,582,018 alleles (0.00063%); highest among the groups gnomAD compares: African/African-American, 0.011%; no homozygotes.

Submission:

Labcorp Genetics (formerly Invitae), Labcorp
Classification: Uncertain significance. Last evaluated: 2025-06-16. Review status: criteria provided, single submitter. Criteria: Invitae Variant Classification Sherloc (09022015). Collection method: clinical testing. Allele origin: germline.
Comment: This sequence change replaces aspartic acid, which is acidic and polar, with tyrosine, which is neutral and polar, at codon 514 of the FUK protein (p.Asp514Tyr). The frequency data for this variant in the population databases is considered unreliable, as metrics indicate poor data quality at this position in the gnomAD database. This variant has not been reported in the literature in individuals affected with FUK-related conditions. ClinVar contains an entry for this variant (Variation ID: 3603613). An algorithm developed to predict the effect of missense changes on protein structure and function (PolyPhen-2) suggests that this variant is likely to be tolerated. In summary, the available evidence is currently insufficient to determine the role of this variant in disease. Therefore, it has been classified as a Variant of Uncertain Significance.

NM_145059.3(FCSK):c.1540G>T (p.Asp514Tyr)

Gene: FCSK (fucose kinase; plus strand). Cytogenetic location: 16q22.1.
Variant type: single nucleotide variant.
Coding change: c.1540G>T on transcript NM_145059.3 (MANE Select); coding-DNA position 1540, G replaced by T.
Protein change: p.Asp514Tyr; replaces aspartic acid 514 with tyrosine.
Molecular consequence: missense variant.
Genome position (GRCh38, 1-based): chr16:70,473,116, G>T. VCF-style: chr16-70473116-G-T. GRCh37 (hg19) VCF-style: chr16-70507019-G-T.
Other names: short protein forms D514Y.
Identifiers: ClinVar variation 3603613 (VCV003603613.2).